The following is an entry in ClinVar:

NM_001198950.3(MYO16):c.1081G>A (p.Val361Ile)

Gene: MYO16 (myosin XVI; plus strand). Cytogenetic location: 13q33.3.
Variant type: single nucleotide variant.
Coding change: c.1081G>A on transcript NM_001198950.3 (MANE Select); coding-DNA position 1081, G replaced by A.
Protein change: p.Val361Ile; replaces valine 361 with isoleucine.
Molecular consequence: missense variant.
Genome position (GRCh38, 1-based): chr13:108,823,262, G>A. VCF-style: chr13-108823262-G-A. GRCh37 (hg19) VCF-style: chr13-109475610-G-A.
Other names: c.1015G>A, p.Val339Ile (NM_015011.3); short protein forms V361I, V339I.
Identifiers: ClinVar variation 768630 (VCV000768630.7), dbSNP rs405397, ClinGen allele CA7044600.

ClinVar aggregate classification (germline): Benign. Review status: criteria provided, multiple submitters, no conflicts (2 of 4 stars). 3 submissions from 3 submitters: Benign (2). 1 of the submissions does not count toward it. Last evaluated 2019-12-31.

Conditions:
MYO16-related disorder. Also called: MYO16-related condition.

Allele frequency attached by ClinVar (database versions not stated): TOPMed 0.03243; 1000 Genomes Project 30x 0.03841; ExAC 0.00905; 1000 Genomes Project 0.03674; ESP Exome Variant Server 0.03068.
gnomAD v4.1: 8,783 of 1,609,714 alleles (0.55%); highest among the groups gnomAD compares: African/African-American, 9.8%; 380 homozygotes.

Submissions (3):

Labcorp Genetics (formerly Invitae), Labcorp
Classification: Benign. Last evaluated: 2019-12-31. Review status: criteria provided, single submitter. Criteria: Invitae Variant Classification Sherloc (09022015). Collection method: clinical testing. Allele origin: germline.

Breakthrough Genomics
Classification: Benign. Review status: criteria provided, single submitter. Criteria: ACMG Guidelines, 2015. Collection method: not provided. Allele origin: germline. Inheritance: Unknown mechanism. Affected: yes.

PreventionGenetics, part of Exact Sciences
Classification: Benign for MYO16-related condition. Last evaluated: 2019-11-06. Review status: no assertion criteria provided. Collection method: clinical testing. Allele origin: germline. Not counted in ClinVar's aggregate classification.
Comment: This variant is classified as benign based on ACMG/AMP sequence variant interpretation guidelines (Richards et al. 2015 PMID: 25741868, with internal and published modifications).